The following is an entry in ClinVar:

NM_001136157.2(OTUD5):c.1682C>T (p.Pro561Leu)

Gene: OTUD5 (OTU deubiquitinase 5; minus strand). Cytogenetic location: Xp11.23.
Variant type: single nucleotide variant.
Coding change: c.1682C>T on transcript NM_001136157.2 (MANE Select); coding-DNA position 1682, C replaced by T.
Protein change: p.Pro561Leu; replaces proline 561 with leucine.
Molecular consequence: missense variant.
Genome position (GRCh38, 1-based): chrX:48,923,193, G>A on the plus strand (C>T on the coding strand, the complement: OTUD5 is on the minus strand). VCF-style: chrX-48923193-G-A. GRCh37 (hg19) VCF-style: chrX-48780470-G-A.
Other names: c.1682C>T, p.Pro561Leu (NM_001136158.2); c.1031C>T, p.Pro344Leu (NM_001136159.2); c.1697C>T, p.Pro566Leu (NM_017602.4); short protein forms P344L, P561L, P566L.
Identifiers: ClinVar variation 4681043 (VCV004681043.1).
Genomic context (GRCh38, chrX:48,923,193, plus strand): 5'-GTACTGGGGTTGGGAGATGGTGTCCAATCCCTGGGTCTCCATCAACTCTTGTCTGGGGGC[G>A]GGTCTCTGTGCACTTTGTTTTTCTTCATACTGTCTAGGTATTCCTGTTGGGACACTGCCA-3'
Protein context (NP_001129629.1, residues 551-566): SMKKNKVHRD[Pro561Leu]PPDKS

ClinVar aggregate classification (germline): Uncertain significance (1 of 4 stars; one submission).

gnomAD v4.1: 5 of 1,205,291 alleles (0.00041%); highest among the groups gnomAD compares: East Asian, 0.003%; no homozygotes.

Submission:

GeneDx
Classification: Uncertain significance. Last evaluated: 2025-07-01. Review status: criteria provided, single submitter. Criteria: GeneDx Variant Classification Process June 2021. Collection method: clinical testing. Allele origin: germline. Affected: yes.
Comment: Not observed at significant frequency in large population cohorts (gnomAD); In silico analysis supports that this missense variant has a deleterious effect on protein structure/function; Has not been previously published as pathogenic or benign to our knowledge